The following is an entry in ClinVar:

ClinVar aggregate classification (germline): Uncertain significance (1 of 4 stars; one submission).

gnomAD v4.1: 1 of 1,528,402 alleles (0.000065%); highest among the groups gnomAD compares: Non-Finnish European, 0.000088%; no homozygotes.

Submission:

Labcorp Genetics (formerly Invitae), Labcorp
Classification: Uncertain significance. Last evaluated: 2025-11-02. Review status: criteria provided, single submitter. Criteria: Invitae Variant Classification Sherloc (09022015). Collection method: clinical testing. Allele origin: germline.
Comment: This sequence change replaces glycine, which is neutral and non-polar, with arginine, which is basic and polar, at codon 143 of the KMT2A protein (p.Gly143Arg). This variant is not present in population databases (gnomAD no frequency). This variant has not been reported in the literature in individuals affected with KMT2A-related conditions. Invitae Evidence Modeling of protein sequence and biophysical properties (such as structural, functional, and spatial information, amino acid conservation, physicochemical variation, residue mobility, and thermodynamic stability) has been performed for this missense variant. However, the output from this modeling did not meet the statistical confidence thresholds required to predict the impact of this variant on KMT2A protein function. In summary, the available evidence is currently insufficient to determine the role of this variant in disease. Therefore, it has been classified as a Variant of Uncertain Significance.

NM_001197104.2(KMT2A):c.427G>A (p.Gly143Arg)

Gene: KMT2A (lysine methyltransferase 2A; plus strand). Cytogenetic location: 11q23.3.
Variant type: single nucleotide variant.
Coding change: c.427G>A on transcript NM_001197104.2 (MANE Select); coding-DNA position 427, G replaced by A.
Protein change: p.Gly143Arg; replaces glycine 143 with arginine.
Molecular consequence: missense variant.
Genome position (GRCh38, 1-based): chr11:118,436,939, G>A. VCF-style: chr11-118436939-G-A. GRCh37 (hg19) VCF-style: chr11-118307654-G-A.
Other names: c.427G>A, p.Gly143Arg (NM_001412597.1, NM_005933.4); short protein forms G143R.
Identifiers: ClinVar variation 4800513 (VCV004800513.1).
Genomic context (GRCh38, chr11:118,436,939, plus strand): 5'-GGCACCAACCTGCGCCGGTTCCGGGCCGTGTTTGGGGAGAGCGGCGGGGGAGGCGGCAGC[G>A]GAGAGGTAAGGGGGCGAGGAACCCCCAGGTCCGGGGTCTCGACCCTCTGCGGAGCCCCCT-3'
Protein context (NP_001184033.1, residues 133-153): FGESGGGGGS[Gly143Arg]EDEQFLGFGS